The following is an entry in ClinVar:

NM_182919.4(TICAM1):c.1342C>T (p.His448Tyr)

Gene: TICAM1 (TIR domain containing adaptor molecule 1; minus strand). Cytogenetic location: 19p13.3.
Variant type: single nucleotide variant.
Coding change: c.1342C>T on transcript NM_182919.4 (MANE Select); coding-DNA position 1342, C replaced by T.
Protein change: p.His448Tyr; replaces histidine 448 with tyrosine.
Molecular consequence: missense variant.
Genome position (GRCh38, 1-based): chr19:4,817,036, G>A on the plus strand (C>T on the coding strand, the complement: TICAM1 is on the minus strand). VCF-style: chr19-4817036-G-A. GRCh37 (hg19) VCF-style: chr19-4817048-G-A.
Other names: c.1300C>T, p.His434Tyr (NM_001385678.1); c.1207C>T, p.His403Tyr (NM_001385679.1); c.700C>T, p.His234Tyr (NM_001385680.1); short protein forms H434Y, H234Y, H403Y, H448Y.
Identifiers: ClinVar variation 3686828 (VCV003686828.2).

ClinVar aggregate classification (germline): Uncertain significance (1 of 4 stars; one submission).

Conditions:
Encephalopathy, acute, infection-induced (herpes-specific), susceptibility to, 6. Also called: Herpes simplex encephalitis, susceptibility to, 4. Identifiers: Orphanet 1930, MedGen C3553869, MONDO:0013921, OMIM 614850.

gnomAD v4.1: 7 of 1,614,132 alleles (0.00043%); highest among the groups gnomAD compares: Non-Finnish European, 0.00059%; no homozygotes.

Submission:

Labcorp Genetics (formerly Invitae), Labcorp
Classification: Uncertain significance for Encephalopathy, acute, infection-induced (herpes-specific), susceptibility to, 6. Last evaluated: 2025-12-22. Review status: criteria provided, single submitter. Criteria: Invitae Variant Classification Sherloc (09022015). Collection method: clinical testing. Allele origin: germline.
Comment: This sequence change replaces histidine, which is basic and polar, with tyrosine, which is neutral and polar, at codon 448 of the TICAM1 protein (p.His448Tyr). This variant is not present in population databases (gnomAD no frequency). This variant has not been reported in the literature in individuals affected with TICAM1-related conditions. ClinVar contains an entry for this variant (Variation ID: 3686828). An algorithm developed to predict the effect of missense changes on protein structure and function (PolyPhen-2) suggests that this variant is likely to be disruptive. In summary, the available evidence is currently insufficient to determine the role of this variant in disease. Therefore, it has been classified as a Variant of Uncertain Significance.